The following is an entry in ClinVar:

NM_000059.4(BRCA2):c.6685G>T (p.Glu2229Ter)

Gene: BRCA2 (BRCA2 DNA repair associated; plus strand). Cytogenetic location: 13q13.1.
Variant type: single nucleotide variant.
Coding change: c.6685G>T on transcript NM_000059.4 (MANE Select); coding-DNA position 6685, G replaced by T.
Protein change: p.Glu2229Ter; replaces glutamic acid 2229 with a stop codon.
Molecular consequence: nonsense.
Genome position (GRCh38, 1-based): chr13:32,341,040, G>T. VCF-style: chr13-32341040-G-T. GRCh37 (hg19) VCF-style: chr13-32915177-G-T.
Other names: p.E2229*:GAA>TAA; short protein forms E2229*.
Identifiers: ClinVar variation 182231 (VCV000182231.18), dbSNP rs730881548, ClinGen allele CA024292.

ClinVar aggregate classification (germline): Pathogenic. Review status: reviewed by expert panel (3 of 4 stars). 5 submissions from 5 submitters: Pathogenic (1). 4 of the submissions do not count toward it. Last evaluated 2016-09-08.

Conditions:
Hereditary cancer-predisposing syndrome. Also called: Tumor predisposition; Hereditary Cancer Syndrome; Hereditary neoplastic syndrome; Neoplastic Syndromes, Hereditary. Identifiers: Orphanet 140162, MedGen C0027672, MeSH D009386, MONDO:0015356.
Hereditary breast ovarian cancer syndrome. Also called: Breast and ovarian cancer; Hereditary breast and ovarian cancer syndrome; Hereditary breast and ovarian cancer; BRCA1- and BRCA2-Associated Hereditary Breast and Ovarian Cancer; Hereditary breast and ovarian cancer syndrome (HBOC); Hereditary breast and/or ovarian cancer syndrome. Identifiers: Orphanet 145, MedGen C0677776, MeSH D061325, MONDO:0003582. Disease mechanism: loss of function.
Breast-ovarian cancer, familial, susceptibility to, 2 (BROVCA2). Also called: BRCA2 Hereditary Breast and Ovarian Cancer. Identifiers: Orphanet 145, MedGen C2675520, MONDO:0012933, OMIM 612555. Disease mechanism: loss of function.
Familial cancer of breast. Also called: BREAST CANCER, FAMILIAL; hereditary breast carcinoma; Hereditary breast cancer. Identifiers: Orphanet 227535, MedGen C0346153, MONDO:0016419, OMIM 114480. Disease mechanism: loss of function.

Submissions (5):

Evidence-based Network for the Interpretation of Germline Mutant Alleles (ENIGMA)
Classification: Pathogenic for Breast-ovarian cancer, familial, susceptibility to, 2. Last evaluated: 2016-09-08. Review status: reviewed by expert panel. Criteria: ENIGMA BRCA1/2 Classification Criteria (2015). Collection method: curation. Allele origin: germline.
Comment: Variant allele predicted to encode a truncated non-functional protein.

Labcorp Genetics (formerly Invitae), Labcorp
Classification: Pathogenic for Hereditary breast ovarian cancer syndrome. Last evaluated: 2026-01-24. Review status: criteria provided, single submitter. Criteria: Invitae Variant Classification Sherloc (09022015). Collection method: clinical testing. Allele origin: germline. Not counted in ClinVar's aggregate classification.
Comment: This sequence change creates a premature translational stop signal (p.Glu2229*) in the BRCA2 gene. It is expected to result in an absent or disrupted protein product. Loss-of-function variants in BRCA2 are known to be pathogenic (PMID: 20104584). This variant is not present in population databases (gnomAD no frequency). This premature translational stop signal has been observed in individual(s) with breast cancer and a personal and family history of breast cancer (PMID: 28486781, 29409476). ClinVar contains an entry for this variant (Variation ID: 182231). For these reasons, this variant has been classified as Pathogenic.

GeneDx
Classification: Pathogenic. Last evaluated: 2024-09-11. Review status: criteria provided, single submitter. Criteria: GeneDx Variant Classification Process June 2021. Collection method: clinical testing. Allele origin: germline. Affected: yes. Not counted in ClinVar's aggregate classification.
Comment: Nonsense variant predicted to result in protein truncation or nonsense mediated decay in a gene for which loss of function is a known mechanism of disease; Not observed at significant frequency in large population cohorts (gnomAD); Truncating variants in this gene are considered pathogenic by a well-established clinical consortium and/or database; Also known as 6913G>T; This variant is associated with the following publications: (PMID: 28486781, 28259476, 32733560, 32377563, 31368036, 30675319, 29409476, 36385461, 38201524, 31209999, 38630906, 31853058, 37400873, 38940262, 34290354)

Baylor Genetics
Classification: Pathogenic for Familial cancer of breast. Last evaluated: 2024-01-09. Review status: criteria provided, single submitter. Criteria: ACMG Guidelines, 2015. Collection method: clinical testing. Allele origin: unknown. Not counted in ClinVar's aggregate classification.

Ambry Genetics
Classification: Pathogenic for Hereditary cancer-predisposing syndrome. Last evaluated: 2021-07-22. Review status: criteria provided, single submitter. Criteria: Ambry Variant Classification Scheme 2023. Collection method: clinical testing. Allele origin: germline. Not counted in ClinVar's aggregate classification.
Comment: The p.E2229* pathogenic mutation (also known as c.6685G>T), located in coding exon 10 of the BRCA2 gene, results from a G to T substitution at nucleotide position 6685. This changes the amino acid from a glutamic acid to a stop codon within coding exon 10. In addition to the clinical data presented in the literature, this alteration is expected to result in loss of function by premature protein truncation or nonsense-mediated mRNA decay. As such, this alteration is interpreted as a disease-causing mutation.

Literature cited by the submitters: PubMed 20104584 (cited by Labcorp Genetics (formerly Invitae), Labcorp); PubMed 28486781 (cited by Labcorp Genetics (formerly Invitae), Labcorp and Ambry Genetics); PubMed 29409476 (cited by Labcorp Genetics (formerly Invitae), Labcorp and Ambry Genetics); PubMed 28259476 (cited by Ambry Genetics); PubMed 31368036 (cited by Ambry Genetics); PubMed 32733560 (cited by Ambry Genetics).